The following is an entry in ClinVar:

ClinVar aggregate classification (germline): Pathogenic/Likely pathogenic. Review status: criteria provided, multiple submitters, no conflicts (2 of 4 stars). 2 submissions from 2 submitters: Pathogenic (1); Likely pathogenic (1). Last evaluated 2025-06-30.

Conditions:
Familial thoracic aortic aneurysm and aortic dissection (TAAD). Also called: Thoracic aortic aneurysms and dissections. Identifiers: Orphanet 91387, MedGen C4707243, MONDO:0019625.
Cardiovascular phenotype. Identifiers: MedGen CN230736.

Submissions (2):

Labcorp Genetics (formerly Invitae), Labcorp
Classification: Likely pathogenic for Familial thoracic aortic aneurysm and aortic dissection. Last evaluated: 2025-06-30. Review status: criteria provided, single submitter. Criteria: Invitae Variant Classification Sherloc (09022015). Collection method: clinical testing. Allele origin: germline.
Comment: This sequence change replaces threonine, which is neutral and polar, with alanine, which is neutral and non-polar, at codon 421 of the TGFBR2 protein (p.Thr421Ala). This variant is not present in population databases (gnomAD no frequency). This missense change has been observed in individual(s) with Loeys Dietz syndrome (internal data). ClinVar contains an entry for this variant (Variation ID: 263399). Invitae Evidence Modeling incorporating data from in vitro experimental studies (internal data) indicates that this missense variant is expected to disrupt TGFBR2 function with a positive predictive value of 95%. This variant disrupts the p.Thr421 amino acid residue in TGFBR2. Other variant(s) that disrupt this residue have been determined to be pathogenic (PMID: 26493799). This suggests that this residue is clinically significant, and that variants that disrupt this residue are likely to be disease-causing. In summary, the currently available evidence indicates that the variant is pathogenic, but additional data are needed to prove that conclusively. Therefore, this variant has been classified as Likely Pathogenic.

Ambry Genetics
Classification: Pathogenic for Cardiovascular phenotype. Last evaluated: 2013-07-01. Review status: criteria provided, single submitter. Criteria: Ambry Autosomal Dominant and X-Linked criteria (10/2015). Collection method: clinical testing. Allele origin: germline. Observed: 1 variant allele.

Literature cited by the submitters: PubMed 26493799 (cited by Labcorp Genetics (formerly Invitae), Labcorp).

NM_003242.6(TGFBR2):c.1261A>G (p.Thr421Ala)

Gene: TGFBR2 (transforming growth factor beta receptor 2; plus strand). Cytogenetic location: 3p24.1.
Variant type: single nucleotide variant.
Coding change: c.1261A>G on transcript NM_003242.6 (MANE Select); coding-DNA position 1261, A replaced by G.
Protein change: p.Thr421Ala; replaces threonine 421 with alanine.
Molecular consequence: missense variant.
Genome position (GRCh38, 1-based): chr3:30,674,111, A>G. VCF-style: chr3-30674111-A-G. GRCh37 (hg19) VCF-style: chr3-30715603-A-G.
Other names: c.1336A>G, p.Thr446Ala (NM_001024847.3); c.1444A>G, p.Thr482Ala (NM_001407126.1); c.1369A>G, p.Thr457Ala (NM_001407127.1); c.1288A>G, p.Thr430Ala (NM_001407128.1); c.1264A>G, p.Thr422Ala (NM_001407129.1); c.1261A>G, p.Thr421Ala (NM_001407130.1); c.1156A>G, p.Thr386Ala (NM_001407132.1, NM_001407133.1, NM_001407134.1 and 2 more transcripts); c.976A>G, p.Thr326Ala (NM_001407137.1); and 1 more; short protein forms T421A, T446A, T386A, T326A, T430A, T482A, T301A, T457A.
Identifiers: ClinVar variation 263399 (VCV000263399.5), dbSNP rs886038787, ClinGen allele CA10587570.
Genomic context (GRCh38, chr3:30,674,111, plus strand): 5'-ATAAAAAGGCAGCTGGAATTAAATGATGGGCCTCACTGTCTGTTTTTGCTATAGGTGGGA[A>G]CTGCAAGATACATGGCTCCAGAAGTCCTAGAATCCAGGATGAATTTGGAGAATGTTGAGT-3'
Protein context (NP_003233.4, residues 411-431): DDLANSGQVG[Thr421Ala]ARYMAPEVLE